The following is an entry in ClinVar:

ClinVar aggregate classification (germline): Uncertain significance. Review status: criteria provided, multiple submitters, no conflicts (2 of 4 stars). 4 submissions from 3 submitters: Uncertain significance (4). Last evaluated 2022-07-17.

Conditions:
Combined immunodeficiency due to partial RAG1 deficiency. Identifiers: Orphanet 231154, MedGen C1835931, MONDO:0012359, OMIM 609889.
Combined immunodeficiency with skin granulomas. Identifiers: Orphanet 157949, MedGen C2673536, MONDO:0009306, OMIM 233650.
Histiocytic medullary reticulosis. Also called: SEVERE COMBINED IMMUNODEFICIENCY WITH HYPEREOSINOPHILIA; Omenn syndrome. Identifiers: Orphanet 39041, MedGen C2700553, MONDO:0011338, OMIM 603554.
Severe combined immunodeficiency, autosomal recessive, T cell-negative, B cell-negative, NK cell-positive. Also called: SCID, T CELL-NEGATIVE, B CELL-NEGATIVE, NK CELL-POSITIVE; Severe combined immunodeficiency due to complete RAG1/2 deficiency; SCID, AR, T-cell negative, B-cell negative, NK cell-positive. Identifiers: Orphanet 331206, MedGen C1832322, MONDO:0011086, OMIM 601457.

Allele frequency attached by ClinVar (database versions not stated): gnomAD 0.00006 and 0.00007; TOPMed 0.00006; gnomAD exomes 0.00010 and 0.00011; ExAC 0.00012; 1000 Genomes Project 0.00020; 1000 Genomes Project 30x 0.00031.

Submissions (4):

Labcorp Genetics (formerly Invitae), Labcorp
Classification: Uncertain significance for Combined immunodeficiency with skin granulomas; Severe combined immunodeficiency, autosomal recessive, T cell-negative, B cell-negative, NK cell-positive. Last evaluated: 2022-07-17. Review status: criteria provided, single submitter. Criteria: Invitae Variant Classification Sherloc (09022015). Collection method: clinical testing. Allele origin: germline.
Comment: This sequence change replaces valine, which is neutral and non-polar, with isoleucine, which is neutral and non-polar, at codon 350 of the RAG1 protein (p.Val350Ile). This variant is present in population databases (rs200758244, gnomAD 0.02%). This variant has not been reported in the literature in individuals affected with RAG1-related conditions. ClinVar contains an entry for this variant (Variation ID: 844758). Advanced modeling of protein sequence and biophysical properties (such as structural, functional, and spatial information, amino acid conservation, physicochemical variation, residue mobility, and thermodynamic stability) performed at Invitae indicates that this missense variant is not expected to disrupt RAG1 protein function. In summary, the available evidence is currently insufficient to determine the role of this variant in disease. Therefore, it has been classified as a Variant of Uncertain Significance.

Fulgent Genetics
Classification: Uncertain significance for Combined immunodeficiency with skin granulomas; Severe combined immunodeficiency, autosomal recessive, T cell-negative, B cell-negative, NK cell-positive; Histiocytic medullary reticulosis; Combined immunodeficiency due to partial RAG1 deficiency. Last evaluated: 2021-12-16. Review status: criteria provided, single submitter. Criteria: ACMG Guidelines, 2015. Collection method: clinical testing. Allele origin: unknown.

Illumina Laboratory Services, Illumina
Classification: Uncertain significance for Histiocytic medullary reticulosis. Last evaluated: 2018-01-13. Review status: criteria provided, single submitter. Criteria: ICSL Variant Classification Criteria 13 December 2019. Collection method: clinical testing. Allele origin: germline.

Illumina Laboratory Services, Illumina
Classification: Uncertain significance for Severe combined immunodeficiency, autosomal recessive, T cell-negative, B cell-negative, NK cell-positive. Last evaluated: 2018-01-13. Review status: criteria provided, single submitter. Criteria: ICSL Variant Classification Criteria 13 December 2019. Collection method: clinical testing. Allele origin: germline.

NM_000448.3(RAG1):c.1048G>A (p.Val350Ile)

Gene: RAG1 (recombination activating 1; plus strand). Cytogenetic location: 11p12.
Variant type: single nucleotide variant.
Coding change: c.1048G>A on transcript NM_000448.3 (MANE Select); coding-DNA position 1048, G replaced by A.
Protein change: p.Val350Ile; replaces valine 350 with isoleucine.
Molecular consequence: missense variant.
Genome position (GRCh38, 1-based): chr11:36,574,352, G>A. VCF-style: chr11-36574352-G-A. GRCh37 (hg19) VCF-style: chr11-36595902-G-A.
Other names: c.1048G>A, p.Val350Ile (NM_001377277.1, NM_001377278.1, NM_001377279.1 and 1 more transcripts); short protein forms V350I.
Identifiers: ClinVar variation 844758 (VCV000844758.8), dbSNP rs200758244, ClinGen allele CA5950090.
Genomic context (GRCh38, chr11:36,574,352, plus strand): 5'-TCTTGCCGATATCCATGCTTCCCTACTGACCTGGAGAGTCCAGTGAAGTCCTTTCTGAGC[G>A]TCTTGAATTCCCTGATGGTGAAATGTCCAGCAAAAGAGTGCAATGAGGAGGTCAGTTTGG-3'
Protein context (NP_000439.2, residues 340-360): LESPVKSFLS[Val350Ile]LNSLMVKCPA